The following is an entry in ClinVar:

ClinVar aggregate classification (germline): Pathogenic (1 of 4 stars; one submission).

Submission:

Labcorp Genetics (formerly Invitae), Labcorp
Classification: Pathogenic. Last evaluated: 2021-09-20. Review status: criteria provided, single submitter. Criteria: Invitae Variant Classification Sherloc (09022015). Collection method: clinical testing. Allele origin: germline.
Comment: This variant has not been reported in the literature in individuals affected with MYO15A-related conditions. This sequence change creates a premature translational stop signal (p.Arg1911Alafs*9) in the MYO15A gene. It is expected to result in an absent or disrupted protein product. Loss-of-function variants in MYO15A are known to be pathogenic (PMID: 17546645). This variant is not present in population databases (ExAC no frequency). Algorithms developed to predict the effect of sequence changes on RNA splicing suggest that this variant may create or strengthen a splice site. For these reasons, this variant has been classified as Pathogenic.

Literature cited by the submitters: PubMed 17546645.

NM_016239.4(MYO15A):c.5730dup (p.Arg1911fs)

Gene: MYO15A (myosin XVA; plus strand). Cytogenetic location: 17p11.2.
Variant type: Duplication.
Coding change: c.5730dup on transcript NM_016239.4 (MANE Select); coding-DNA position 5730, one base duplicated (G; older notation c.5730dupG).
Protein change: p.Arg1911fs; shifts the reading frame from arginine 1911.
Molecular consequence: frameshift variant.
Genome position (GRCh38, 1-based): chr17:18,142,159, G duplicated. VCF-style (leftmost placement, unchanged base first): chr17-18142158-A-AG. GRCh37 (hg19) VCF-style: chr17-18045472-A-AG.
Other names: short protein forms R1911fs.
Identifiers: ClinVar variation 1382705 (VCV001382705.6), dbSNP rs2142341398, ClinGen allele CA2573153191.